The following is an entry in ClinVar:

ClinVar aggregate classification (germline): Uncertain significance (1 of 4 stars; one submission).

Conditions:
Joubert syndrome 23 (JBTS23). Identifiers: Orphanet 475, MedGen C4084822, MONDO:0014664, OMIM 616490.
Short-rib thoracic dysplasia 14 with polydactyly (SRTD14). Identifiers: Orphanet 397715, MedGen C4225286, MONDO:0014688, OMIM 616546.

Allele frequency attached by ClinVar (database versions not stated): gnomAD 0.00001; TOPMed 0.00001.

Submission:

Labcorp Genetics (formerly Invitae), Labcorp
Classification: Uncertain significance for Joubert syndrome 23; Short-rib thoracic dysplasia 14 with polydactyly. Last evaluated: 2022-04-28. Review status: criteria provided, single submitter. Criteria: Invitae Variant Classification Sherloc (09022015). Collection method: clinical testing. Allele origin: germline.
Comment: Algorithms developed to predict the effect of missense changes on protein structure and function are either unavailable or do not agree on the potential impact of this missense change (SIFT: "Deleterious"; PolyPhen-2: "Benign"; Align-GVGD: "Class C0"). This sequence change replaces glutamic acid, which is acidic and polar, with lysine, which is basic and polar, at codon 450 of the KIAA0586 protein (p.Glu450Lys). This variant is not present in population databases (gnomAD no frequency). This variant has not been reported in the literature in individuals affected with KIAA0586-related conditions. In summary, the available evidence is currently insufficient to determine the role of this variant in disease. Therefore, it has been classified as a Variant of Uncertain Significance.

NM_001329943.3(KIAA0586):c.1189G>A (p.Glu397Lys)

Gene: KIAA0586 (KIAA0586; plus strand). Cytogenetic location: 14q23.1.
Variant type: single nucleotide variant.
Coding change: c.1189G>A on transcript NM_001329943.3 (MANE Select); coding-DNA position 1189, G replaced by A.
Protein change: p.Glu397Lys; replaces glutamic acid 397 with lysine.
Molecular consequence: missense variant.
Genome position (GRCh38, 1-based): chr14:58,453,409, G>A. VCF-style: chr14-58453409-G-A. GRCh37 (hg19) VCF-style: chr14-58920127-G-A.
Other names: c.1348G>A, p.Glu450Lys (NM_001244189.2); c.1144G>A, p.Glu382Lys (NM_001244190.2); c.934G>A, p.Glu312Lys (NM_001244191.2, NM_001329945.2, NM_001364700.1 and 1 more transcripts); c.1057G>A, p.Glu353Lys (NM_001244192.2); c.769G>A, p.Glu257Lys (NM_001244193.2); c.1189G>A, p.Glu397Lys (NM_001329944.2, NM_001329946.2, NM_001329947.2 and 1 more transcripts); short protein forms E257K, E312K, E397K, E353K, E382K, E450K.
Identifiers: ClinVar variation 2121106 (VCV002121106.4), dbSNP rs1303662160, ClinGen allele CA389866818.